The following is an entry in ClinVar:

ClinVar aggregate classification (germline): Pathogenic (1 of 4 stars; one submission).

Submission:

GeneDx
Classification: Pathogenic. Last evaluated: 2023-10-04. Review status: criteria provided, single submitter. Criteria: GeneDx Variant Classification Process June 2021. Collection method: clinical testing. Allele origin: germline. Affected: yes.
Comment: Canonical splice site variant predicted to result in a null allele in a gene for which loss of function is a known mechanism of disease; Not observed at significant frequency in large population cohorts (gnomAD); This variant is associated with the following publications: (PMID: 25326669, 33004838, Onesimo2023[casereport], 36293418)

NM_001904.4(CTNNB1):c.1081+1G>C

Gene: CTNNB1 (catenin beta 1; plus strand). Cytogenetic location: 3p22.1.
Variant type: single nucleotide variant.
Coding change: c.1081+1G>C on transcript NM_001904.4 (MANE Select); the canonical splice donor site of the intron after coding-DNA position 1081, G replaced by C.
Molecular consequence: splice donor variant.
Genome position (GRCh38, 1-based): chr3:41,227,353, G>C. VCF-style: chr3-41227353-G-C. GRCh37 (hg19) VCF-style: chr3-41268844-G-C.
Other names: c.1060+1G>C (NM_001330729.2); c.1081+1G>C (NM_001098209.2, NM_001098210.2).
Identifiers: ClinVar variation 3338876 (VCV003338876.1).
Genomic context (GRCh38, chr3:41,227,353, plus strand): 5'-GCAGAGTGCTGAAGGTGCTATCTGTCTGCTCTAGTAATAAGCCGGCTATTGTAGAAGCTG[G>C]TAAGTATATGTATCTATTCTGAGTCTTGTGTATAGCATCTGCAGTTCTAATTAGATTACT-3'